The following is an entry in ClinVar:

ClinVar aggregate classification (germline): Pathogenic (1 of 4 stars; one submission).

Conditions:
Joint laxity, short stature, and myopia. Identifiers: Orphanet 527450, MedGen C4540020, MONDO:0060556, OMIM 617662.

Submission:

3billion
Classification: Pathogenic for Joint laxity, short stature, and myopia. Last evaluated: 2022-05-22. Review status: criteria provided, single submitter. Criteria: ACMG Guidelines, 2015. Collection method: clinical testing. Allele origin: germline. Affected: yes. Observed: 1 heterozygote.
Comment: The variant is not observed in the gnomAD v2.1.1 dataset. Frameshift: predicted to result in a loss or disruption of normal protein function through nonsense-mediated decay (NMD) or protein truncation. Multiple pathogenic variants are reported downstream of the variant. The variant is in trans with the NM_022482.5:c.1440del variant (3billion dataset). Therefore, this variant is classified as pathogenic according to the recommendation of ACMG/AMP guideline.

NM_022482.5(GZF1):c.1451_1452del (p.Cys484fs)

Gene: GZF1 (GDNF inducible zinc finger protein 1; plus strand). Cytogenetic location: 20p11.21.
Variant type: Microsatellite.
Coding change: c.1451_1452del on transcript NM_022482.5 (MANE Select); coding-DNA positions 1451 to 1452, 2 bases deleted (GT; older notation c.1451_1452delGT).
Protein change: p.Cys484fs; shifts the reading frame from cysteine 484.
Molecular consequence: frameshift variant.
Genome position (GRCh38, 1-based): chr20:23,367,089-23,367,090, GT deleted; deleting any 2 consecutive bases within chr20:23,367,087-23,367,090 gives the same sequence; the c. name uses the placement nearest the transcript's 3' end. VCF-style (leftmost placement, unchanged base first): chr20-23367086-GGT-G. GRCh37 (hg19) VCF-style: chr20-23347723-GGT-G.
Other names: c.1451_1452del, p.Cys484fs (NM_001317012.2, NM_001317019.1); short protein forms C484fs.
Identifiers: ClinVar variation 1687462 (VCV001687462.1), dbSNP rs2123057775, ClinGen allele CA2580615006.